The following is an entry in ClinVar:

ClinVar aggregate classification (germline): Uncertain significance (1 of 4 stars; one submission).

Allele frequency attached by ClinVar (database versions not stated): TOPMed below 0.00001.
gnomAD v4.1: 1 of 1,613,902 alleles (0.000062%); highest among the groups gnomAD compares: South Asian, 0.0011%; no homozygotes.

Submission:

Labcorp Genetics (formerly Invitae), Labcorp
Classification: Uncertain significance. Last evaluated: 2022-09-28. Review status: criteria provided, single submitter. Criteria: Invitae Variant Classification Sherloc (09022015). Collection method: clinical testing. Allele origin: germline.
Comment: In summary, the available evidence is currently insufficient to determine the role of this variant in disease. Therefore, it has been classified as a Variant of Uncertain Significance. Advanced modeling of protein sequence and biophysical properties (such as structural, functional, and spatial information, amino acid conservation, physicochemical variation, residue mobility, and thermodynamic stability) performed at Invitae indicates that this missense variant is not expected to disrupt CLUAP1 protein function. This variant has not been reported in the literature in individuals affected with CLUAP1-related conditions. This variant is not present in population databases (gnomAD no frequency). This sequence change replaces glutamine, which is neutral and polar, with glutamic acid, which is acidic and polar, at codon 319 of the CLUAP1 protein (p.Gln319Glu).

NM_015041.3(CLUAP1):c.955C>G (p.Gln319Glu)

Gene: CLUAP1 (clusterin associated protein 1; plus strand). Cytogenetic location: 16p13.3.
Variant type: single nucleotide variant.
Coding change: c.955C>G on transcript NM_015041.3 (MANE Select); coding-DNA position 955, C replaced by G.
Protein change: p.Gln319Glu; replaces glutamine 319 with glutamic acid.
Molecular consequence: missense variant.
Genome position (GRCh38, 1-based): chr16:3,530,594, C>G. VCF-style: chr16-3530594-C-G. GRCh37 (hg19) VCF-style: chr16-3580594-C-G.
Other names: c.955C>G, p.Gln319Glu (NM_001330454.2); c.457C>G, p.Gln153Glu (NM_024793.3); short protein forms Q153E, Q319E.
Identifiers: ClinVar variation 1720594 (VCV001720594.5), dbSNP rs2038094713, ClinGen allele CA394515463.